The following is an entry in ClinVar:

ClinVar aggregate classification (germline): Uncertain significance. Review status: criteria provided, multiple submitters, no conflicts (2 of 4 stars). 7 submissions from 7 submitters: Uncertain significance (7). Last evaluated 2026-09-02.

Conditions:
CLN3-related disorder. Also called: CLN3-related condition. Identifiers: MedGen CN382248.
Neuronal ceroid lipofuscinosis. Also called: Neuronal Ceroid Lipofuscinoses. Identifiers: Orphanet 216, Orphanet 79263, MedGen C0027877, MONDO:0016295. Disease mechanism: loss of function.
Neuronal ceroid lipofuscinosis 3 (CLN3). Identifiers: Orphanet 228346, MedGen C0751383, MONDO:0008767, OMIM 204200.

Allele frequency attached by ClinVar (database versions not stated): ExAC 0.00004; gnomAD exomes 0.00006; gnomAD 0.00008 and 0.00009; TOPMed 0.00010.
gnomAD v4.1: 262 of 1,611,826 alleles (0.016%); highest among the groups gnomAD compares: Non-Finnish European, 0.021%; no homozygotes.

Submissions (7):

PreventionGenetics, part of Exact Sciences
Classification: Uncertain significance for CLN3-related condition. Last evaluated: 2026-09-02. Review status: criteria provided, single submitter. Criteria: ACMG Guidelines, 2015. Collection method: clinical testing. Allele origin: germline.
Comment: The CLN3 c.754C>T variant is predicted to result in the amino acid substitution p.Pro252Ser. To our knowledge, this variant has not been reported in the literature. This variant is reported in 0.013% of alleles in individuals of European (Non-Finnish) descent in gnomAD. At this time, the clinical significance of this variant is uncertain due to the absence of conclusive functional and genetic evidence.

GeneDx
Classification: Uncertain significance. Last evaluated: 2025-04-23. Review status: criteria provided, single submitter. Criteria: GeneDx Variant Classification Process June 2021. Collection method: clinical testing. Allele origin: germline. Affected: yes.
Comment: Not observed at significant frequency in large population cohorts (gnomAD); In silico analysis supports that this missense variant has a deleterious effect on protein structure/function; Has not been previously published as pathogenic or benign to our knowledge

Blueprint Genetics
Classification: Uncertain significance. Last evaluated: 2023-12-27. Review status: criteria provided, single submitter. Criteria: ACMG Guidelines, 2015. Collection method: clinical testing. Allele origin: germline.

Labcorp Genetics (formerly Invitae), Labcorp
Classification: Uncertain significance for Neuronal ceroid lipofuscinosis. Last evaluated: 2022-08-23. Review status: criteria provided, single submitter. Criteria: Invitae Variant Classification Sherloc (09022015). Collection method: clinical testing. Allele origin: germline.
Comment: This sequence change replaces proline, which is neutral and non-polar, with serine, which is neutral and polar, at codon 252 of the CLN3 protein (p.Pro252Ser). This variant is present in population databases (rs769104531, gnomAD 0.01%). This variant has not been reported in the literature in individuals affected with CLN3-related conditions. ClinVar contains an entry for this variant (Variation ID: 193615). Algorithms developed to predict the effect of missense changes on protein structure and function are either unavailable or do not agree on the potential impact of this missense change (SIFT: "Tolerated"; PolyPhen-2: "Possibly Damaging"; Align-GVGD: "Class C0"). In summary, the available evidence is currently insufficient to determine the role of this variant in disease. Therefore, it has been classified as a Variant of Uncertain Significance.

Genome-Nilou Lab
Classification: Uncertain significance for Neuronal ceroid lipofuscinosis 3. Last evaluated: 2021-09-05. Review status: criteria provided, single submitter. Criteria: ACMG Guidelines, 2015. Collection method: clinical testing. Allele origin: germline. Affected: no.

Illumina Laboratory Services, Illumina
Classification: Uncertain significance for Neuronal ceroid lipofuscinosis 3. Last evaluated: 2018-01-13. Review status: criteria provided, single submitter. Criteria: ICSL Variant Classification Criteria 13 December 2019. Collection method: clinical testing. Allele origin: germline.

Eurofins Ntd Llc (ga)
Classification: Uncertain significance. Last evaluated: 2015-01-20. Review status: criteria provided, single submitter. Criteria: EGL Classification Definitions 2015. Collection method: clinical testing. Allele origin: germline. Observed: 1 variant allele, 1 heterozygote.

NM_001042432.2(CLN3):c.754C>T (p.Pro252Ser)

Gene: CLN3 (CLN3 lysosomal/endosomal transmembrane protein, battenin; minus strand). Cytogenetic location: 16p12.1.
Variant type: single nucleotide variant.
Coding change: c.754C>T on transcript NM_001042432.2 (MANE Select); coding-DNA position 754, C replaced by T.
Protein change: p.Pro252Ser; replaces proline 252 with serine.
Molecular consequence: missense variant.
Genome position (GRCh38, 1-based): chr16:28,484,042, G>A on the plus strand (C>T on the coding strand, the complement: CLN3 is on the minus strand). VCF-style: chr16-28484042-G-A. GRCh37 (hg19) VCF-style: chr16-28495363-G-A.
Other names: c.754C>T, p.Pro252Ser (NM_000086.2); c.682C>T, p.Pro228Ser (NM_001286104.2); c.454C>T, p.Pro152Ser (NM_001286105.2); c.520C>T, p.Pro174Ser (NM_001286109.2); c.592C>T, p.Pro198Ser (NM_001286110.2); short protein forms P252S, P152S, P228S, P174S, P198S.
Identifiers: ClinVar variation 193615 (VCV000193615.19), dbSNP rs769104531, ClinGen allele CA239163.